The following is an entry in ClinVar:

NM_015909.4(NBAS):c.2577G>C (p.Gln859His)

Gene: NBAS (NBAS subunit of NRZ tethering complex; minus strand). Cytogenetic location: 2p24.3.
Variant type: single nucleotide variant.
Coding change: c.2577G>C on transcript NM_015909.4 (MANE Select); coding-DNA position 2577, G replaced by C.
Protein change: p.Gln859His; replaces glutamine 859 with histidine.
Molecular consequence: missense variant. On other transcripts: non-coding transcript variant (1).
Genome position (GRCh38, 1-based): chr2:15,424,315, C>G on the plus strand (G>C on the coding strand, the complement: NBAS is on the minus strand). VCF-style: chr2-15424315-C-G. GRCh37 (hg19) VCF-style: chr2-15564439-C-G.
Other names: short protein forms Q859H.
Identifiers: ClinVar variation 1909852 (VCV001909852.5), dbSNP rs989299960, ClinGen allele CA42632401.
Genomic context (GRCh38, chr2:15,424,315, plus strand): 5'-CCTAAGGATCCAAGGCAGTTCCACTAACATTACTGAGCAGCAGCTGCCATTTCCCCTCAC[C>G]TGCCGAGCATAATGCTCTATTTCCTCTGCTCTGGTCTGATACCAGTCCATAACCTTCTCC-3'
Protein context (NP_056993.2, residues 849-869): RAEEIEHYAR[Gln859His]VDCALSLIRL

ClinVar aggregate classification (germline): Uncertain significance (1 of 4 stars; one submission).

Allele frequency attached by ClinVar (database versions not stated): gnomAD 0.00001.
gnomAD v4.1: 1 of 1,613,962 alleles (0.000062%); highest among the groups gnomAD compares: African/African-American, 0.0013%; no homozygotes.

Submission:

Labcorp Genetics (formerly Invitae), Labcorp
Classification: Uncertain significance. Last evaluated: 2025-08-11. Review status: criteria provided, single submitter. Criteria: Invitae Variant Classification Sherloc (09022015). Collection method: clinical testing. Allele origin: germline.
Comment: This sequence change replaces glutamine, which is neutral and polar, with histidine, which is basic and polar, at codon 859 of the NBAS protein (p.Gln859His). This variant also falls at the last nucleotide of exon 23, which is part of the consensus splice site for this exon. This variant is not present in population databases (gnomAD no frequency). This variant has not been reported in the literature in individuals affected with NBAS-related conditions. ClinVar contains an entry for this variant (Variation ID: 1909852). Invitae Evidence Modeling of protein sequence and biophysical properties (such as structural, functional, and spatial information, amino acid conservation, physicochemical variation, residue mobility, and thermodynamic stability) has been performed for this missense variant. However, the output from this modeling did not meet the statistical confidence thresholds required to predict the impact of this variant on NBAS protein function. Variants that disrupt the consensus splice site are a relatively common cause of aberrant splicing (PMID: 17576681, 9536098). Algorithms developed to predict the effect of sequence changes on RNA splicing suggest that this variant may disrupt the consensus splice site. In summary, the available evidence is currently insufficient to determine the role of this variant in disease. Therefore, it has been classified as a Variant of Uncertain Significance.

Literature cited by the submitters: PubMed 17576681; PubMed 9536098.